The following is an entry in ClinVar:

ClinVar aggregate classification (germline): Uncertain significance (1 of 4 stars; one submission).

gnomAD v4.1: 1 of 1,559,984 alleles (0.000064%); no homozygotes.

Submission:

Ambry Genetics
Classification: Uncertain significance. Last evaluated: 2026-01-14. Review status: criteria provided, single submitter. Criteria: Ambry Variant Classification Scheme 2023. Collection method: clinical testing. Allele origin: germline.
Comment: The p.P708S variant (also known as c.2122C>T), located in coding exon 9 of the WNK2 gene, results from a C to T substitution at nucleotide position 2122. The proline at codon 708 is replaced by serine, an amino acid with similar properties. This amino acid position is conserved. In addition, this alteration is predicted to be tolerated by in silico analysis. Based on the available evidence, the clinical significance of this variant remains unclear.

NM_006648.4(WNK2):c.2122C>T (p.Pro708Ser)

Gene: WNK2 (WNK lysine deficient protein kinase 2; plus strand). Cytogenetic location: 9q22.31.
Variant type: single nucleotide variant.
Coding change: c.2122C>T on transcript NM_006648.4 (MANE Select); coding-DNA position 2122, C replaced by T.
Protein change: p.Pro708Ser; replaces proline 708 with serine.
Molecular consequence: missense variant.
Genome position (GRCh38, 1-based): chr9:93,256,386, C>T. VCF-style: chr9-93256386-C-T. GRCh37 (hg19) VCF-style: chr9-96018668-C-T.
Other names: c.2122C>T, p.Pro708Ser (NM_001282394.3); short protein forms P708S.
Identifiers: ClinVar variation 4842146 (VCV004842146.1).